The following is an entry in ClinVar:

ClinVar aggregate classification (germline): Pathogenic (1 of 4 stars; one submission).

Submission:

CeGaT Center for Human Genetics Tuebingen
Classification: Pathogenic. Last evaluated: 2024-04-01. Review status: criteria provided, single submitter. Criteria: CeGaT Center For Human Genetics Tuebingen Variant Classification Criteria Version 2. Collection method: clinical testing. Allele origin: germline. Affected: yes. Observed: 1 variant allele.
Comment: HIVEP2: PVS1, PM2

NM_006734.4(HIVEP2):c.5798C>G (p.Ser1933Ter)

Gene: HIVEP2 (HIVEP zinc finger 2; minus strand). Cytogenetic location: 6q24.2.
Variant type: single nucleotide variant.
Coding change: c.5798C>G on transcript NM_006734.4 (MANE Select); coding-DNA position 5798, C replaced by G.
Protein change: p.Ser1933Ter; replaces serine 1933 with a stop codon.
Molecular consequence: nonsense.
Genome position (GRCh38, 1-based): chr6:142,760,490, G>C on the plus strand (C>G on the coding strand, the complement: HIVEP2 is on the minus strand). VCF-style: chr6-142760490-G-C. GRCh37 (hg19) VCF-style: chr6-143081627-G-C.
Other names: short protein forms S1933*.
Identifiers: ClinVar variation 3234788 (VCV003234788.20), dbSNP rs2482772626, ClinGen allele CA365888616.